The following is an entry in ClinVar:

NM_176812.5(CHMP4B):c.45C>G (p.Ala15=)

Gene: CHMP4B (charged multivesicular body protein 4B; plus strand). Cytogenetic location: 20q11.22.
Variant type: single nucleotide variant.
Coding change: c.45C>G on transcript NM_176812.5 (MANE Select); coding-DNA position 45, C replaced by G.
Protein change: p.Ala15=; no amino-acid change (alanine 15 retained).
Molecular consequence: synonymous variant.
Genome position (GRCh38, 1-based): chr20:33,811,513, C>G. VCF-style: chr20-33811513-C-G. GRCh37 (hg19) VCF-style: chr20-32399319-C-G.
Identifiers: ClinVar variation 4983998 (VCV004983998.1).

ClinVar aggregate classification (germline): Likely benign (1 of 4 stars; one submission).

Conditions:
CHMP4B-related disorder. Also called: CHMP4B-related condition.

gnomAD v4.1: 8 of 1,601,716 alleles (0.0005%); highest among the groups gnomAD compares: Admixed American, 0.0017%; no homozygotes.

Submission:

PreventionGenetics, part of Exact Sciences
Classification: Likely benign for CHMP4B-related condition. Last evaluated: 2024-12-13. Review status: criteria provided, single submitter. Criteria: ACMG Guidelines, 2015. Collection method: clinical testing. Allele origin: germline.
Comment: This variant is classified as likely benign based on ACMG/AMP sequence variant interpretation guidelines (Richards et al. 2015 PMID: 25741868, with internal and published modifications).